The following is an entry in ClinVar:

NM_004004.6(GJB2):c.178T>G (p.Cys60Gly)

Gene: GJB2 (gap junction protein beta 2; minus strand). Cytogenetic location: 13q12.11.
Variant type: single nucleotide variant.
Coding change: c.178T>G on transcript NM_004004.6 (MANE Select); coding-DNA position 178, T replaced by G.
Protein change: p.Cys60Gly; replaces cysteine 60 with glycine.
Molecular consequence: missense variant.
Genome position (GRCh38, 1-based): chr13:20,189,404, A>C on the plus strand (T>G on the coding strand, the complement: GJB2 is on the minus strand). VCF-style: chr13-20189404-A-C. GRCh37 (hg19) VCF-style: chr13-20763543-A-C.
Other names: short protein forms C60G.
Identifiers: ClinVar variation 2910326 (VCV002910326.3), dbSNP rs938857026, ClinGen allele CA387461695.

ClinVar aggregate classification (germline): Pathogenic (1 of 4 stars; one submission).

Submission:

Labcorp Genetics (formerly Invitae), Labcorp
Classification: Pathogenic. Last evaluated: 2024-07-01. Review status: criteria provided, single submitter. Criteria: Invitae Variant Classification Sherloc (09022015). Collection method: clinical testing. Allele origin: germline.
Comment: This sequence change replaces cysteine, which is neutral and slightly polar, with glycine, which is neutral and non-polar, at codon 60 of the GJB2 protein (p.Cys60Gly). This variant is not present in population databases (gnomAD no frequency). This missense change has been observed in individual(s) with autosomal recessive deafness (PMID: 29501291; Invitae). In at least one individual the data is consistent with being in trans (on the opposite chromosome) from a pathogenic variant. It has also been observed to segregate with disease in related individuals. Advanced modeling of protein sequence and biophysical properties (such as structural, functional, and spatial information, amino acid conservation, physicochemical variation, residue mobility, and thermodynamic stability) performed at Invitae indicates that this missense variant is expected to disrupt GJB2 protein function with a positive predictive value of 95%. For these reasons, this variant has been classified as Pathogenic.

Literature cited by the submitters: PubMed 29501291.